The following is an entry in ClinVar:

NM_080680.3(COL11A2):c.444-2A>T

Gene: COL11A2 (collagen type XI alpha 2 chain; minus strand). Cytogenetic location: 6p21.32.
Variant type: single nucleotide variant.
Coding change: c.444-2A>T on transcript NM_080680.3 (MANE Select); the canonical splice acceptor site of the intron before coding-DNA position 444, A replaced by T.
Molecular consequence: splice acceptor variant.
Genome position (GRCh38, 1-based): chr6:33,188,526, T>A on the plus strand (A>T on the coding strand, the complement: COL11A2 is on the minus strand). VCF-style: chr6-33188526-T-A. GRCh37 (hg19) VCF-style: chr6-33156303-T-A.
Other names: c.444-2A>T (NM_080679.3, NM_080681.3, NM_001163771.2).
Identifiers: ClinVar variation 1517148 (VCV001517148.6), dbSNP rs2150621077, ClinGen allele CA363612006.

ClinVar aggregate classification (germline): Likely pathogenic (1 of 4 stars; one submission).

Submission:

Labcorp Genetics (formerly Invitae), Labcorp
Classification: Likely pathogenic. Last evaluated: 2022-09-13. Review status: criteria provided, single submitter. Criteria: Invitae Variant Classification Sherloc (09022015). Collection method: clinical testing. Allele origin: germline.
Comment: In summary, the currently available evidence indicates that the variant is pathogenic, but additional data are needed to prove that conclusively. Therefore, this variant has been classified as Likely Pathogenic. Algorithms developed to predict the effect of sequence changes on RNA splicing suggest that this variant may disrupt the consensus splice site. ClinVar contains an entry for this variant (Variation ID: 1517148). This variant has not been reported in the literature in individuals affected with COL11A2-related conditions. This variant is not present in population databases (gnomAD no frequency). This sequence change affects an acceptor splice site in intron 3 of the COL11A2 gene. It is expected to disrupt RNA splicing. Variants that disrupt the donor or acceptor splice site typically lead to a loss of protein function (PMID: 16199547), and loss-of-function variants in COL11A2 are known to be pathogenic (PMID: 10677296, 21204229).

Literature cited by the submitters: PubMed 16199547; PubMed 10677296; PubMed 21204229.